The following is an entry in ClinVar:

ClinVar aggregate classification (germline): Uncertain significance (1 of 4 stars; one submission).

gnomAD v4.1: 3 of 1,611,632 alleles (0.00019%); highest among the groups gnomAD compares: Non-Finnish European, 0.00025%; no homozygotes.

Submission:

Labcorp Genetics (formerly Invitae), Labcorp
Classification: Uncertain significance. Last evaluated: 2026-01-06. Review status: criteria provided, single submitter. Criteria: Invitae Variant Classification Sherloc (09022015). Collection method: clinical testing. Allele origin: germline.
Comment: This sequence change replaces valine, which is neutral and non-polar, with alanine, which is neutral and non-polar, at codon 77 of the CACNA2D4 protein (p.Val77Ala). This variant is not present in population databases (gnomAD no frequency). This variant has not been reported in the literature in individuals affected with CACNA2D4-related conditions. An algorithm developed to predict the effect of missense changes on protein structure and function (PolyPhen-2) suggests that this variant is likely to be disruptive. In summary, the available evidence is currently insufficient to determine the role of this variant in disease. Therefore, it has been classified as a Variant of Uncertain Significance.

NM_172364.5(CACNA2D4):c.230T>C (p.Val77Ala)

Gene: CACNA2D4 (calcium voltage-gated channel auxiliary subunit alpha2delta 4; minus strand). Cytogenetic location: 12p13.33.
Variant type: single nucleotide variant.
Coding change: c.230T>C on transcript NM_172364.5 (MANE Select); coding-DNA position 230, T replaced by C.
Protein change: p.Val77Ala; replaces valine 77 with alanine.
Molecular consequence: missense variant.
Genome position (GRCh38, 1-based): chr12:1,914,933, A>G on the plus strand (T>C on the coding strand, the complement: CACNA2D4 is on the minus strand). VCF-style: chr12-1914933-A-G. GRCh37 (hg19) VCF-style: chr12-2024099-A-G.
Other names: short protein forms V77A.
Identifiers: ClinVar variation 4734529 (VCV004734529.1).